The following is an entry in ClinVar:

ClinVar aggregate classification (germline): Uncertain significance (1 of 4 stars; one submission).

Submission:

Labcorp Genetics (formerly Invitae), Labcorp
Classification: Uncertain significance. Last evaluated: 2022-09-13. Review status: criteria provided, single submitter. Criteria: Invitae Variant Classification Sherloc (09022015). Collection method: clinical testing. Allele origin: germline.
Comment: This sequence change affects the initiator methionine of the CEP19 mRNA. The next in-frame methionine is located at codon 5. In summary, the available evidence is currently insufficient to determine the role of this variant in disease. Therefore, it has been classified as a Variant of Uncertain Significance. Experimental studies and prediction algorithms are not available or were not evaluated, and the functional significance of this variant is currently unknown. This variant has not been reported in the literature in individuals affected with CEP19-related conditions. This variant is present in population databases (rs747512839, gnomAD 0.03%).

NM_032898.5(CEP19):c.-13_-1del

Gene: CEP19 (centrosomal protein 19; minus strand). Cytogenetic location: 3q29.
Variant type: Deletion.
Coding change: c.-13_-1del on transcript NM_032898.5 (MANE Select); 13 bases upstream of the start codon through 1 bases upstream of the start codon, 13 bases deleted (CATGTACATGGGA).
Molecular consequence: 5 prime UTR variant. On other transcripts: intron variant (1).
Genome position (GRCh38, 1-based): chr3:196,708,658-196,708,670, TCCCATGTACATG deleted on the plus strand (CATGTACATGGGA on the coding strand, the reverse complement: CEP19 is on the minus strand); deleting any 13 consecutive bases within chr3:196,708,658-196,708,673 gives the same sequence; the c. name uses the placement nearest the transcript's 3' end. VCF-style (leftmost placement, unchanged base first): chr3-196708657-TTCCCATGTACATG-T. GRCh37 (hg19) VCF-style: chr3-196435528-TTCCCATGTACATG-T.
Other names: c.-13_-1del (NM_001379469.1, NM_001379470.1); c.26-758_26-746del (NM_001379468.1).
Identifiers: ClinVar variation 2132375 (VCV002132375.3), dbSNP rs747512839, ClinGen allele CA2782182.
Genomic context (GRCh38, chr3:196,708,657, plus strand): 5'-AGATTAAGATAATAGCTGGAGGCTGAAACCTAATCCCACATTTCTTGGCAGTGCACATCA[TTCCCATGTACATG>T]TCCGGGTAAGTCAGAGGAAATCTGATGAATATGTGTAAGTTGCATAATGACTTCCTGCTA-3'